The following is an entry in ClinVar:

NM_001164508.2(NEB):c.5451+1G>T

Gene: NEB (nebulin; minus strand). Cytogenetic location: 2q23.3.
Variant type: single nucleotide variant.
Coding change: c.5451+1G>T on transcript NM_001164508.2 (MANE Select); the canonical splice donor site of the intron after coding-DNA position 5451, G replaced by T.
Molecular consequence: splice donor variant.
Genome position (GRCh38, 1-based): chr2:151,664,500, C>A on the plus strand (G>T on the coding strand, the complement: NEB is on the minus strand). VCF-style: chr2-151664500-C-A. GRCh37 (hg19) VCF-style: chr2-152521014-C-A.
Other names: c.5451+1G>T (NM_004543.5, NM_001164507.2, NM_001271208.2).
Identifiers: ClinVar variation 2064804 (VCV002064804.4), dbSNP rs2552256921, ClinGen allele CA348810056.
Genomic context (GRCh38, chr2:151,664,500, plus strand): 5'-CAAGCTTAGCGCATTTGTTCTTACTTGCTCAACCCCAAAAAGGCCCAGTGCAAGCACTTA[C>A]ATCACTGGCAATGTCTCTAGAGGCTCTTGCAGCCTTTATTGCAATGGCATCAGGCCTCAG-3'

ClinVar aggregate classification (germline): Likely pathogenic (1 of 4 stars; one submission).

Conditions:
Nemaline myopathy 2 (NEM2). Also called: Nemaline myopathy 2, autosomal recessive. Identifiers: MedGen C1850569, MONDO:0009725, OMIM 256030.

Submission:

Labcorp Genetics (formerly Invitae), Labcorp
Classification: Likely pathogenic for Nemaline myopathy 2. Last evaluated: 2023-09-10. Review status: criteria provided, single submitter. Criteria: Invitae Variant Classification Sherloc (09022015). Collection method: clinical testing. Allele origin: germline.
Comment: This sequence change affects a donor splice site in intron 44 of the NEB gene. It is expected to disrupt RNA splicing. Variants that disrupt the donor or acceptor splice site typically lead to a loss of protein function (PMID: 16199547), and loss-of-function variants in NEB are known to be pathogenic (PMID: 25205138). This variant is not present in population databases (gnomAD no frequency). This variant has not been reported in the literature in individuals affected with NEB-related conditions. ClinVar contains an entry for this variant (Variation ID: 2064804). In summary, the currently available evidence indicates that the variant is pathogenic, but additional data are needed to prove that conclusively. Therefore, this variant has been classified as Likely Pathogenic. Algorithms developed to predict the effect of sequence changes on RNA splicing suggest that this variant may disrupt the consensus splice site.

Literature cited by the submitters: PubMed 16199547; PubMed 25205138.